The following is an entry in ClinVar:

ClinVar aggregate classification (germline): Uncertain significance (1 of 4 stars; one submission).

Conditions:
Autosomal dominant limb-girdle muscular dystrophy type 1G (LGMDD3). Also called: Limb-girdle muscular dystrophy, type 1G; MUSCULAR DYSTROPHY, LIMB-GIRDLE, AUTOSOMAL DOMINANT 3. Identifiers: Orphanet 55596, MedGen C1836765, MONDO:0012193, OMIM 609115.

gnomAD v4.1: 2 of 1,608,680 alleles (0.00012%); highest among the groups gnomAD compares: Non-Finnish European, 0.00017%; no homozygotes.

Submission:

Labcorp Genetics (formerly Invitae), Labcorp
Classification: Uncertain significance for Autosomal dominant limb-girdle muscular dystrophy type 1G. Last evaluated: 2025-05-06. Review status: criteria provided, single submitter. Criteria: Invitae Variant Classification Sherloc (09022015). Collection method: clinical testing. Allele origin: germline.
Comment: This sequence change replaces aspartic acid, which is acidic and polar, with alanine, which is neutral and non-polar, at codon 267 of the HNRNPDL protein (p.Asp267Ala). This variant is present in population databases (no rsID available, gnomAD 0.0009%). This variant has not been reported in the literature in individuals affected with HNRNPDL-related conditions. An algorithm developed to predict the effect of missense changes on protein structure and function (PolyPhen-2) suggests that this variant is likely to be tolerated. In summary, the available evidence is currently insufficient to determine the role of this variant in disease. Therefore, it has been classified as a Variant of Uncertain Significance.

NM_031372.4(HNRNPDL):c.800A>C (p.Asp267Ala)

Gene: HNRNPDL (heterogeneous nuclear ribonucleoprotein D like; minus strand). Cytogenetic location: 4q21.22.
Variant type: single nucleotide variant.
Coding change: c.800A>C on transcript NM_031372.4 (MANE Select); coding-DNA position 800, A replaced by C.
Protein change: p.Asp267Ala; replaces aspartic acid 267 with alanine.
Molecular consequence: missense variant. On other transcripts: non-coding transcript variant (1).
Genome position (GRCh38, 1-based): chr4:82,427,539, T>G on the plus strand (A>C on the coding strand, the complement: HNRNPDL is on the minus strand). VCF-style: chr4-82427539-T-G. GRCh37 (hg19) VCF-style: chr4-83348692-T-G.
Other names: c.800A>C, p.Asp267Ala (NM_001207000.1); short protein forms D267A.
Identifiers: ClinVar variation 4743148 (VCV004743148.1).